The following is an entry in ClinVar:

NM_032409.3(PINK1):c.1287dup (p.Asp430Ter)

Genes: PINK1 (PTEN induced kinase 1; plus strand), PINK1-AS (PINK1 antisense RNA; minus strand). Cytogenetic location: 1p36.12.
Variant type: Duplication.
Coding change: c.1287dup on transcript NM_032409.3 (MANE Select); coding-DNA position 1287, one base duplicated (T; older notation c.1287dupT).
Protein change: p.Asp430Ter; replaces aspartic acid 430 with a stop codon.
Molecular consequence: nonsense. On other transcripts: non-coding transcript variant (1).
Genome position (GRCh38, 1-based): chr1:20,649,030, T duplicated; the last of 2 consecutive T bases (chr1:20,649,029-20,649,030); duplicating either gives the same sequence. VCF-style (leftmost placement, unchanged base first): chr1-20649028-A-AT. GRCh37 (hg19) VCF-style: chr1-20975521-A-AT.
Other names: c.1287dupT (NM_032409.3); short protein forms D430*.
Identifiers: ClinVar variation 4850150 (VCV004850150.1).

ClinVar aggregate classification (germline): Likely pathogenic (1 of 4 stars; one submission).

Conditions:
Autosomal recessive early-onset Parkinson disease 6 (PARK6). Also called: PINK1-Related Parkinson Disease; PINK1 Type of Young-Onset Parkinson Disease; PARKINSON DISEASE 6, EARLY-ONSET; PARKINSON DISEASE 6, MODIFIER OF. Identifiers: Orphanet 2828, MedGen C1853833, MONDO:0011613, OMIM 605909.

Submission:

Variantyx, Inc.
Classification: Likely pathogenic for Autosomal recessive early-onset Parkinson disease 6. Last evaluated: 2025-11-26. Review status: criteria provided, single submitter. Criteria: Variantyx Assertion Criteria 2022. Collection method: clinical testing. Allele origin: germline. Inheritance: Autosomal recessive inheritance.
Comment: This variant introduces a premature stop codon in exon 2 of 8 and is predicted to result in an absent or dysfunctional PINK1 protein. This is a single pathogenic variant, in a gene associated with autosomal recessive inheritance. This variant has a 0.0066% maximum allele frequency in non-founder control populations. There is evidence suggesting that heterozygous pathogenic variants could constitute a risk factor for Parkinson's disease, typically with later onset (PMID:16700027, 17172567, 20461815, 27807026, 32713623). Therefore, this variant has been classfed as likely pathogenic for autosomal recessive early-onset Parkinson disease 6.

Literature cited by the submitters: PubMed 16700027; PubMed 17172567; PubMed 20461815; PubMed 27807026; PubMed 32713623.